The following is an entry in ClinVar:

NM_001080449.3(DNA2):c.1465A>C (p.Lys489Gln)

Gene: DNA2 (DNA replication helicase/nuclease 2; minus strand). Cytogenetic location: 10q21.3.
Variant type: single nucleotide variant.
Coding change: c.1465A>C on transcript NM_001080449.3 (MANE Select); coding-DNA position 1465, A replaced by C.
Protein change: p.Lys489Gln; replaces lysine 489 with glutamine.
Molecular consequence: missense variant. On other transcripts: non-coding transcript variant (1).
Genome position (GRCh38, 1-based): chr10:68,437,192, T>G on the plus strand (A>C on the coding strand, the complement: DNA2 is on the minus strand). VCF-style: chr10-68437192-T-G. GRCh37 (hg19) VCF-style: chr10-70196949-T-G.
Other names: short protein forms K489Q.
Identifiers: ClinVar variation 1719322 (VCV001719322.5), dbSNP rs1383098399, ClinGen allele CA376860488.

ClinVar aggregate classification (germline): Uncertain significance (1 of 4 stars; one submission).

Allele frequency attached by ClinVar (database versions not stated): gnomAD exomes below 0.00001; gnomAD 0.00001; TOPMed 0.00001.
gnomAD v4.1: 5 of 1,612,944 alleles (0.00031%); highest among the groups gnomAD compares: Non-Finnish European, 0.00042%; no homozygotes.

Submission:

Labcorp Genetics (formerly Invitae), Labcorp
Classification: Uncertain significance. Last evaluated: 2022-09-13. Review status: criteria provided, single submitter. Criteria: Invitae Variant Classification Sherloc (09022015). Collection method: clinical testing. Allele origin: germline.
Comment: In summary, the available evidence is currently insufficient to determine the role of this variant in disease. Therefore, it has been classified as a Variant of Uncertain Significance. Advanced modeling of protein sequence and biophysical properties (such as structural, functional, and spatial information, amino acid conservation, physicochemical variation, residue mobility, and thermodynamic stability) performed at Invitae indicates that this missense variant is not expected to disrupt DNA2 protein function. This variant has not been reported in the literature in individuals affected with DNA2-related conditions. This variant is not present in population databases (gnomAD no frequency). This sequence change replaces lysine, which is basic and polar, with glutamine, which is neutral and polar, at codon 489 of the DNA2 protein (p.Lys489Gln).